The following is an entry in ClinVar:

ClinVar aggregate classification (germline): Uncertain significance. Review status: criteria provided, multiple submitters, no conflicts (2 of 4 stars). 2 submissions from 2 submitters: Uncertain significance (2). Last evaluated 2025-11-25.

Conditions:
Inborn genetic diseases. Identifiers: MedGen C0950123, MeSH D030342.
Baller-Gerold syndrome (BGS). Also called: CRANIOSYNOSTOSIS WITH RADIAL DEFECTS. Identifiers: Orphanet 1225, MedGen C0265308, MONDO:0009039, OMIM 218600.

Submissions (2):

Labcorp Genetics (formerly Invitae), Labcorp
Classification: Uncertain significance for Baller-Gerold syndrome. Last evaluated: 2025-11-25. Review status: criteria provided, single submitter. Criteria: Invitae Variant Classification Sherloc (09022015). Collection method: clinical testing. Allele origin: germline.
Comment: This sequence change replaces arginine, which is basic and polar, with tryptophan, which is neutral and slightly polar, at codon 84 of the RECQL4 protein (p.Arg84Trp). This variant is not present in population databases (gnomAD no frequency). This variant has not been reported in the literature in individuals affected with RECQL4-related conditions. ClinVar contains an entry for this variant (Variation ID: 3787941). Invitae Evidence Modeling of protein sequence and biophysical properties (such as structural, functional, and spatial information, amino acid conservation, physicochemical variation, residue mobility, and thermodynamic stability) indicates that this missense variant is expected to disrupt RECQL4 protein function with a positive predictive value of 80%. In summary, the available evidence is currently insufficient to determine the role of this variant in disease. Therefore, it has been classified as a Variant of Uncertain Significance.

Ambry Genetics
Classification: Uncertain significance for Inborn genetic diseases. Last evaluated: 2024-12-15. Review status: criteria provided, single submitter. Criteria: Ambry Variant Classification Scheme 2023. Collection method: clinical testing. Allele origin: germline.
Comment: The p.R84W variant (also known as c.250C>T), located in coding exon 4 of the RECQL4 gene, results from a C to T substitution at nucleotide position 250. The arginine at codon 84 is replaced by tryptophan, an amino acid with dissimilar properties. This amino acid position is conserved. In addition, the in silico prediction for this alteration is inconclusive. Based on the available evidence, the clinical significance of this variant remains unclear.

NM_004260.4(RECQL4):c.250C>T (p.Arg84Trp)

Gene: RECQL4 (RecQ like helicase 4; minus strand). Cytogenetic location: 8q24.3.
Variant type: single nucleotide variant.
Coding change: c.250C>T on transcript NM_004260.4 (MANE Select); coding-DNA position 250, C replaced by T.
Protein change: p.Arg84Trp; replaces arginine 84 with tryptophan.
Molecular consequence: missense variant. On other transcripts: 5 prime UTR variant (17), non-coding transcript variant (3).
Genome position (GRCh38, 1-based): chr8:144,517,154, G>A on the plus strand (C>T on the coding strand, the complement: RECQL4 is on the minus strand). VCF-style: chr8-144517154-G-A. GRCh37 (hg19) VCF-style: chr8-145742538-G-A.
Other names: c.250C>T, p.Arg84Trp (NM_001413017.1, NM_001413018.1, NM_001413019.1 and 5 more transcripts); c.-471C>T (NM_001413021.1); c.-822C>T (NM_001413022.1, NM_001413023.1, NM_001413037.1 and 3 more transcripts); c.-719C>T (NM_001413024.1, NM_001413035.1); c.121C>T, p.Arg41Trp (NM_001413025.1); c.-884C>T (NM_001413027.1, NM_001413030.1, NM_001413031.1 and 1 more transcripts); c.-547C>T (NM_001413028.1); c.-781C>T (NM_001413032.1); and 2 more; short protein forms R84W, R41W.
Identifiers: ClinVar variation 3787941 (VCV003787941.2).